The following is an entry in ClinVar:

NM_006924.5(SRSF1):c.86C>T (p.Thr29Ile)

Gene: SRSF1 (serine and arginine rich splicing factor 1; minus strand). Cytogenetic location: 17q22.
Variant type: single nucleotide variant.
Coding change: c.86C>T on transcript NM_006924.5 (MANE Select); coding-DNA position 86, C replaced by T.
Protein change: p.Thr29Ile; replaces threonine 29 with isoleucine.
Molecular consequence: missense variant. On other transcripts: non-coding transcript variant (2).
Genome position (GRCh38, 1-based): chr17:58,007,052, G>A on the plus strand (C>T on the coding strand, the complement: SRSF1 is on the minus strand). VCF-style: chr17-58007052-G-A. GRCh37 (hg19) VCF-style: chr17-56084413-G-A.
Other names: c.86C>T, p.Thr29Ile (NM_001078166.2); short protein forms T29I.
Identifiers: ClinVar variation 5020599 (VCV005020599.1).

ClinVar aggregate classification (germline): Uncertain significance (1 of 4 stars; one submission).

Submission:

Dasa
Classification: Uncertain significance. Last evaluated: 2026-05-08. Review status: criteria provided, single submitter. Criteria: DASA Assertion Criteria. Collection method: clinical testing. Allele origin: germline.
Comment: NM_006924.5(SRSF1):c.86C>T (p.Thr29Ile) is a missense variant that results in the substitution of threonine with isoleucine. This variant is absent from population databases. The currently available literature and clinical evidence are not sufficient to establish a definitive association between this variant and the reported condition. Therefore, this variant is classified as a variant of uncertain significance.